The following is an entry in ClinVar:

ClinVar aggregate classification (germline): Pathogenic. Review status: criteria provided, multiple submitters, no conflicts (2 of 4 stars). 2 submissions from 2 submitters: Pathogenic (2). Last evaluated 2022-11-15.

Conditions:
Hereditary cancer-predisposing syndrome. Also called: Hereditary neoplastic syndrome; Neoplastic Syndromes, Hereditary; Tumor predisposition; Hereditary Cancer Syndrome. Identifiers: Orphanet 140162, MedGen C0027672, MeSH D009386, MONDO:0015356.
Ataxia-telangiectasia syndrome (AT). Also called: LOUIS-BAR SYNDROME; Cerebello-oculocutaneous telangiectasia; Immunodeficiency with ataxia telangiectasia; AT, COMPLEMENTATION GROUP C; Ataxia-telangiectasia, complementation group D; ATAXIA-TELANGIECTASIA, COMPLEMENTATION GROUP A. Identifiers: Orphanet 100, MedGen C0004135, MONDO:0008840, OMIM 208900.

Submissions (2):

Labcorp Genetics (formerly Invitae), Labcorp
Classification: Pathogenic for Ataxia-telangiectasia syndrome. Last evaluated: 2022-11-15. Review status: criteria provided, single submitter. Criteria: Invitae Variant Classification Sherloc (09022015). Collection method: clinical testing. Allele origin: germline.
Comment: ClinVar contains an entry for this variant (Variation ID: 485234). This variant has not been reported in the literature in individuals affected with ATM-related conditions. This variant is not present in population databases (gnomAD no frequency). This sequence change creates a premature translational stop signal (p.Ser131*) in the ATM gene. It is expected to result in an absent or disrupted protein product. Loss-of-function variants in ATM are known to be pathogenic (PMID: 23807571, 25614872). For these reasons, this variant has been classified as Pathogenic. Algorithms developed to predict the effect of sequence changes on RNA splicing suggest that this variant may disrupt the consensus splice site.

Ambry Genetics
Classification: Pathogenic for Hereditary cancer-predisposing syndrome. Last evaluated: 2017-06-12. Review status: criteria provided, single submitter. Criteria: Ambry Variant Classification Scheme 2023. Collection method: clinical testing. Allele origin: germline.
Comment: The p.S131* pathogenic mutation (also known as c.392C>A), located in coding exon 4 of the ATM gene, results from a C to A substitution at nucleotide position 392. This changes the amino acid from a serine to a stop codon within coding exon 4. This alteration is expected to result in loss of function by premature protein truncation or nonsense-mediated mRNA decay. As such, this alteration is interpreted as a disease-causing mutation.

Literature cited by the submitters: PubMed 23807571 (cited by Labcorp Genetics (formerly Invitae), Labcorp); PubMed 25614872 (cited by Labcorp Genetics (formerly Invitae), Labcorp).

NM_000051.4(ATM):c.392C>A (p.Ser131Ter)

Gene: ATM (ATM serine/threonine kinase; plus strand). Cytogenetic location: 11q22.3.
Variant type: single nucleotide variant.
Coding change: c.392C>A on transcript NM_000051.4 (MANE Select); coding-DNA position 392, C replaced by A.
Protein change: p.Ser131Ter; replaces serine 131 with a stop codon.
Molecular consequence: nonsense.
Genome position (GRCh38, 1-based): chr11:108,235,730, C>A. VCF-style: chr11-108235730-C-A. GRCh37 (hg19) VCF-style: chr11-108106457-C-A.
Other names: c.392C>A, p.Ser131Ter (NM_001351834.2); short protein forms S131*.
Identifiers: ClinVar variation 485234 (VCV000485234.10), dbSNP rs1363726955, ClinGen allele CA382524896.